The following is an entry in ClinVar:

ClinVar aggregate classification (germline): Uncertain significance (1 of 4 stars; one submission).

Conditions:
Joubert syndrome. Also called: CEREBELLOPARENCHYMAL DISORDER IV; JOUBERT-BOLTSHAUSER SYNDROME; Familial aplasia of the vermis. Identifiers: Orphanet 475, MedGen C5979921, MONDO:0018772.
Meckel-Gruber syndrome. Also called: DYSENCEPHALIA SPLANCHNOCYSTICA; GRUBER SYNDROME; Dysencephalia splachnocystica. Identifiers: Orphanet 564, MedGen C0265215, MONDO:0018921.

Allele frequency attached by ClinVar (database versions not stated): gnomAD exomes 0.00001; ExAC 0.00004.
gnomAD v4.1: 8 of 1,600,752 alleles (0.0005%); highest among the groups gnomAD compares: Admixed American, 0.013%; no homozygotes.

Submission:

Labcorp Genetics (formerly Invitae), Labcorp
Classification: Uncertain significance for Joubert syndrome; Meckel-Gruber syndrome. Last evaluated: 2024-10-26. Review status: criteria provided, single submitter. Criteria: Invitae Variant Classification Sherloc (09022015). Collection method: clinical testing. Allele origin: germline.
Comment: This sequence change replaces glutamic acid, which is acidic and polar, with lysine, which is basic and polar, at codon 1003 of the RPGRIP1L protein (p.Glu1003Lys). This variant is present in population databases (rs746586531, gnomAD 0.03%). This variant has not been reported in the literature in individuals affected with RPGRIP1L-related conditions. ClinVar contains an entry for this variant (Variation ID: 2149549). An algorithm developed to predict the effect of missense changes on protein structure and function outputs the following: PolyPhen-2: "Benign". The lysine amino acid residue is found in multiple mammalian species, which suggests that this missense change does not adversely affect protein function. In summary, the available evidence is currently insufficient to determine the role of this variant in disease. Therefore, it has been classified as a Variant of Uncertain Significance.

NM_015272.5(RPGRIP1L):c.3007G>A (p.Glu1003Lys)

Gene: RPGRIP1L (RPGRIP1 like; minus strand). Cytogenetic location: 16q12.2.
Variant type: single nucleotide variant.
Coding change: c.3007G>A on transcript NM_015272.5 (MANE Select); coding-DNA position 3007, G replaced by A.
Protein change: p.Glu1003Lys; replaces glutamic acid 1003 with lysine.
Molecular consequence: missense variant. On other transcripts: intron variant (2).
Genome position (GRCh38, 1-based): chr16:53,638,363, C>T on the plus strand (G>A on the coding strand, the complement: RPGRIP1L is on the minus strand). VCF-style: chr16-53638363-C-T. GRCh37 (hg19) VCF-style: chr16-53672275-C-T.
Other names: c.3007G>A, p.Glu1003Lys (NM_001308334.3); c.2959-509G>A (NM_001127897.4, NM_001330538.2); short protein forms E1003K.
Identifiers: ClinVar variation 2149549 (VCV002149549.3), dbSNP rs746586531, ClinGen allele CA8057387.